The following is an entry in ClinVar:

NM_001270.4(CHD1):c.398A>G (p.Asp133Gly)

Gene: CHD1 (chromodomain helicase DNA binding protein 1; minus strand). Cytogenetic location: 5q21.1.
Variant type: single nucleotide variant.
Coding change: c.398A>G on transcript NM_001270.4 (MANE Select); coding-DNA position 398, A replaced by G.
Protein change: p.Asp133Gly; replaces aspartic acid 133 with glycine.
Molecular consequence: missense variant. On other transcripts: non-coding transcript variant (2).
Genome position (GRCh38, 1-based): chr5:98,902,939, T>C on the plus strand (A>G on the coding strand, the complement: CHD1 is on the minus strand). VCF-style: chr5-98902939-T-C. GRCh37 (hg19) VCF-style: chr5-98238643-T-C.
Other names: c.398A>G, p.Asp133Gly (NM_001364113.3, NM_001376194.2); short protein forms D133G.
Identifiers: ClinVar variation 3061572 (VCV003061572.3), dbSNP rs201752702, ClinGen allele CA3356599.

ClinVar aggregate classification (germline): Uncertain significance. Review status: criteria provided, single submitter (1 of 4 stars). 2 submissions from 2 submitters: Uncertain significance (1). 1 of the submissions does not count toward it. Last evaluated 2025-02-23.

Conditions:
CHD1-related disorder. Also called: CHD1-related condition.

Allele frequency attached by ClinVar (database versions not stated): gnomAD exomes 0.00003; ExAC 0.00004; 1000 Genomes Project 30x 0.00016; 1000 Genomes Project 0.00020.

Submissions (2):

Ambry Genetics
Classification: Uncertain significance. Last evaluated: 2025-02-23. Review status: criteria provided, single submitter. Criteria: Ambry Variant Classification Scheme 2023. Collection method: clinical testing. Allele origin: germline.

PreventionGenetics, part of Exact Sciences
Classification: Likely benign for CHD1-related condition. Last evaluated: 2023-01-03. Review status: no assertion criteria provided. Collection method: clinical testing. Allele origin: germline. Not counted in ClinVar's aggregate classification.
Comment: This variant is classified as likely benign based on ACMG/AMP sequence variant interpretation guidelines (Richards et al. 2015 PMID: 25741868, with internal and published modifications).